The following is an entry in ClinVar:

NM_003384.3(VRK1):c.32dup (p.Gln12fs)

Gene: VRK1 (VRK serine/threonine kinase 1; plus strand). Cytogenetic location: 14q32.2.
Variant type: Duplication.
Coding change: c.32dup on transcript NM_003384.3 (MANE Select); coding-DNA position 32, one base duplicated (G; older notation c.32dupG).
Protein change: p.Gln12fs; shifts the reading frame from glutamine 12.
Molecular consequence: frameshift variant.
Genome position (GRCh38, 1-based): chr14:96,833,503, G duplicated. VCF-style (leftmost placement, unchanged base first): chr14-96833502-A-AG. GRCh37 (hg19) VCF-style: chr14-97299839-A-AG.
Other names: c.32dup, p.Gln12fs (NM_001411051.1, NM_001411053.1); short protein forms Q12fs.
Identifiers: ClinVar variation 4718584 (VCV004718584.1).
Genomic context (GRCh38, chr14:96,833,502, plus strand): 5'-ACCATTTCTTTGTTTTATGTTATAGTGAAAATGCCTCGTGTAAAAGCAGCTCAAGCTGGA[A>AG]GACAGAGCTCTGCAAAGAGACATCTTGCAGAACAATTTGCAGTTGGAGAGATAATAACTG-3'

ClinVar aggregate classification (germline): Pathogenic (1 of 4 stars; one submission).

Conditions:
Pontocerebellar hypoplasia type 1A (PCH1A). Also called: PONTOCEREBELLAR HYPOPLASIA WITH ANTERIOR HORN CELL DISEASE; PONTOCEREBELLAR HYPOPLASIA WITH INFANTILE SPINAL MUSCULAR ATROPHY. Identifiers: Orphanet 2254, Orphanet 88616, MedGen C1843504, MONDO:0011866, OMIM 607596.

Submission:

Labcorp Genetics (formerly Invitae), Labcorp
Classification: Pathogenic for Pontocerebellar hypoplasia type 1A. Last evaluated: 2025-07-05. Review status: criteria provided, single submitter. Criteria: Invitae Variant Classification Sherloc (09022015). Collection method: clinical testing. Allele origin: germline.
Comment: This sequence change creates a premature translational stop signal (p.Gln12Thrfs*20) in the VRK1 gene. It is expected to result in an absent or disrupted protein product. Loss-of-function variants in VRK1 are known to be pathogenic (PMID: 19646678, 24126608, 27281532). This variant is not present in population databases (gnomAD no frequency). This variant has not been reported in the literature in individuals affected with VRK1-related conditions. For these reasons, this variant has been classified as Pathogenic.

Literature cited by the submitters: PubMed 19646678; PubMed 24126608; PubMed 27281532.